The following is an entry in ClinVar:

ClinVar aggregate classification (germline): Pathogenic. Review status: reviewed by expert panel (3 of 4 stars). 9 submissions from 9 submitters: Pathogenic (1). 8 of the submissions do not count toward it. Last evaluated 2023-08-29.

Conditions:
Ovarian neoplasm. Also called: Ovarian tumor; Ovarian Neoplasms; Neoplasm of ovary. Identifiers: MedGen C0919267, MeSH D010051, MONDO:0021068, HP:0100615.
Prostate cancer. Also called: Malignant tumor of prostate. Identifiers: Orphanet 1331, MedGen C0376358, MONDO:0008315, HP:0012125.
Familial cancer of breast. Also called: BREAST CANCER, FAMILIAL; Hereditary breast cancer; hereditary breast carcinoma. Identifiers: Orphanet 227535, MedGen C0346153, MONDO:0016419, OMIM 114480. Disease mechanism: loss of function.
Blepharocheilodontic syndrome 1 (BCDS1). Identifiers: Orphanet 1997, MedGen C4551988, MONDO:0054740, OMIM 119580.
Endometrial carcinoma. Also called: Endometrial carcinoma, somatic. Identifiers: MedGen C0476089, MONDO:0002447, OMIM 608089, HP:0012114.
Hereditary diffuse gastric adenocarcinoma (HDGC). Also called: DIFFUSE GASTRIC AND LOBULAR BREAST CANCER SYNDROME. Identifiers: Orphanet 26106, MedGen C1708349, MONDO:0007648, OMIM 137215.
Hereditary cancer-predisposing syndrome. Also called: Hereditary Cancer Syndrome; Hereditary neoplastic syndrome; Neoplastic Syndromes, Hereditary; Tumor predisposition. Identifiers: Orphanet 140162, MedGen C0027672, MeSH D009386, MONDO:0015356.
CDH1-related diffuse gastric and lobular breast cancer syndrome. Also called: CDH1-related diffuse gastric and lobular breast cancer. Identifiers: MedGen CN311521, MONDO:0100488.

Submissions (9):

Clingen Gastric Cancer Variant Curation Expert Panel
Classification: Pathogenic for CDH1-related diffuse gastric and lobular breast cancer syndrome. Last evaluated: 2023-08-29. Review status: reviewed by expert panel. Criteria: ClinGen CDH1 ACMG Specifications V3.1. Collection method: curation. Allele origin: germline. Inheritance: Autosomal dominant inheritance.
Comment: The c.382delC (p.His128Ilefs*87) variant is predicted to result in a premature stop codon that leads to a truncated or absent protein (PVS1, PM5_Supporting). The variant is absent in the gnomAD cohort (PM2_Supporting). This variant has been reported in at least one family meeting HDGC clinical criteria (PS4_Supporting; PMID: 15235021). In summary, this variant meets criteria to be classified as pathogenic based on the ACMG/AMP criteria applied as specified by the CDH1 Variant Curation Expert Panel (Variant Interpretation Guidelines Version 3.1): PVS1, PM2_Supporting, PS4_Supporting, PM5_Supporting.

Labcorp Genetics (formerly Invitae), Labcorp
Classification: Pathogenic for Hereditary diffuse gastric adenocarcinoma. Last evaluated: 2025-12-14. Review status: criteria provided, single submitter. Criteria: Invitae Variant Classification Sherloc (09022015). Collection method: clinical testing. Allele origin: germline. Not counted in ClinVar's aggregate classification.
Comment: This sequence change creates a premature translational stop signal (p.His128Ilefs*87) in the CDH1 gene. It is expected to result in an absent or disrupted protein product. Loss-of-function variants in CDH1 are known to be pathogenic (PMID: 15235021, 20373070). This variant is not present in population databases (gnomAD no frequency). This premature translational stop signal has been observed in individual(s) with diffuse gastric cancer (PMID: 15235021, 19269290, 26182300). ClinVar contains an entry for this variant (Variation ID: 486824). For these reasons, this variant has been classified as Pathogenic.

Women's Health and Genetics/Laboratory Corporation of America, LabCorp
Classification: Pathogenic for Hereditary diffuse gastric adenocarcinoma. Last evaluated: 2023-12-01. Review status: criteria provided, single submitter. Criteria: LabCorp Variant Classification Summary - May 2015. Collection method: clinical testing. Allele origin: germline. Not counted in ClinVar's aggregate classification.
Comment: Variant summary: CDH1 c.382delC (p.His128IlefsX87) results in a premature termination codon and is expected to cause absence of the protein due to nonsense mediated decay, a commonly known mechanism for disease. The variant was absent in 250542 control chromosomes (gnomAD). c.382delC has been reported in the literature in individuals affected with Hereditary Diffuse Gastric Cancer (e.g. Brooks-Wilson_2004, Oliveira_2009, Hansford_2015). These data indicate that the variant is very likely associated with disease. To our knowledge, no experimental evidence demonstrating an impact on protein function has been reported. The following publications have been ascertained in the context of this evaluation (PMID: 15235021, 26182300, 20233471). Six submitters have cited clinical-significance assessments for this variant to ClinVar after 2014. All submitters classified the variant as pathogenic. Based on the evidence outlined above, the variant was classified as pathogenic.

Myriad Genetics, Inc.
Classification: Pathogenic for Hereditary diffuse gastric adenocarcinoma. Last evaluated: 2023-03-03. Review status: criteria provided, single submitter. Criteria: Myriad Autosomal Dominant, Autosomal Recessive and X-Linked Classification Criteria (2023). Collection method: clinical testing. Allele origin: unknown. Not counted in ClinVar's aggregate classification.
Comment: This variant is considered pathogenic. This variant creates a frameshift predicted to result in premature protein truncation.

Ambry Genetics
Classification: Pathogenic for Hereditary cancer-predisposing syndrome. Last evaluated: 2021-12-23. Review status: criteria provided, single submitter. Criteria: Ambry Variant Classification Scheme 2023. Collection method: clinical testing. Allele origin: germline. Not counted in ClinVar's aggregate classification.
Comment: The c.382delC pathogenic mutation, located in coding exon 3 of the CDH1 gene, results from a deletion of one nucleotide at nucleotide position 382, causing a translational frameshift with a predicted alternate stop codon (p.H128Ifs*87). This mutation has been identified in multiple individuals with gastric cancer and a family history of HDGC (Brooks-Wilson AR. J. Med. Genet. 2004 Jul; 41(7):508-17; Oliveira C. Gastroenterology. 2009 Jun; 136(7):2137-48). This variant is considered to be rare based on population cohorts in the Genome Aggregation Database (gnomAD). In addition to the clinical data presented in the literature, this alteration is expected to result in loss of function by premature protein truncation or nonsense-mediated mRNA decay. As such, this alteration is interpreted as a disease-causing mutation.

Fulgent Genetics
Classification: Pathogenic for Familial cancer of breast; Blepharocheilodontic syndrome 1; Hereditary diffuse gastric adenocarcinoma; Ovarian cancer; Familial prostate cancer; Endometrial carcinoma. Last evaluated: 2021-12-01. Review status: criteria provided, single submitter. Criteria: ACMG Guidelines, 2015. Collection method: clinical testing. Allele origin: unknown. Not counted in ClinVar's aggregate classification.

Color Diagnostics, LLC DBA Color Health
Classification: Pathogenic for Hereditary cancer-predisposing syndrome. Last evaluated: 2021-11-19. Review status: criteria provided, single submitter. Criteria: ACMG Guidelines, 2015. Collection method: clinical testing. Allele origin: germline. Not counted in ClinVar's aggregate classification.
Comment: This variant deletes 1 nucleotide in exon 3 of the CDH1 gene, creating a frameshift and premature translation stop signal. This variant is expected to result in an absent or non-functional protein product. This variant has been reported in multiple individuals affected with diffuse gastric cancer in the literature (PMID: 15235021, 19269290, 26182300). This variant has not been identified in the general population by the Genome Aggregation Database (gnomAD). Loss of CDH1 function is a known mechanism of disease. Based on the available evidence, this variant is classified as Pathogenic.

Baylor Genetics
Classification: Pathogenic for Familial cancer of breast. Last evaluated: 2021-11-13. Review status: criteria provided, single submitter. Criteria: ACMG Guidelines, 2015. Collection method: clinical testing. Allele origin: unknown. Not counted in ClinVar's aggregate classification.

Counsyl
Classification: Pathogenic for Hereditary diffuse gastric adenocarcinoma. Last evaluated: 2017-01-13. Review status: no assertion criteria provided. Collection method: clinical testing. Allele origin: unknown. Not counted in ClinVar's aggregate classification.

Literature cited by the submitters: PubMed 19269290 (cited by 4 submitters); PubMed 15235021 (cited by 5 submitters); PubMed 20373070 (cited by Labcorp Genetics (formerly Invitae), Labcorp); PubMed 26182300 (cited by 4 submitters); PubMed 17545690 (cited by Women's Health and Genetics/Laboratory Corporation of America, LabCorp); PubMed 21271559 (cited by Women's Health and Genetics/Laboratory Corporation of America, LabCorp); PubMed 20233471 (cited by Women's Health and Genetics/Laboratory Corporation of America, LabCorp).

NM_004360.5(CDH1):c.382del (p.His128fs)

Gene: CDH1 (cadherin 1; plus strand). Cytogenetic location: 16q22.1.
Variant type: Deletion.
Coding change: c.382del on transcript NM_004360.5 (MANE Select); coding-DNA position 382, one base deleted (C; older notation c.382delC).
Protein change: p.His128fs; shifts the reading frame from histidine 128.
Molecular consequence: frameshift variant. On other transcripts: 5 prime UTR variant (2).
Genome position (GRCh38, 1-based): chr16:68,801,888, C deleted; the last of 4 consecutive C bases (chr16:68,801,885-68,801,888); deleting any one gives the same sequence. VCF-style (leftmost placement, unchanged base first): chr16-68801884-GC-G. GRCh37 (hg19) VCF-style: chr16-68835787-GC-G.
Other names: NM_004360.4(CDH1):c.382delC; c.382del (LRG_301t1); c.382delC (NM_004360.5); c.382del, p.His128fs (NM_001317184.2); c.-1234del (NM_001317185.2); c.-1438del (NM_001317186.2); short protein forms H128fs.
Identifiers: ClinVar variation 486824 (VCV000486824.23), dbSNP rs1555514492, ClinGen allele CA496152715.